The following is an entry in ClinVar:

NM_000540.3(RYR1):c.1094C>T (p.Ala365Val)

Gene: RYR1 (ryanodine receptor 1; plus strand). Cytogenetic location: 19q13.2.
Variant type: single nucleotide variant.
Coding change: c.1094C>T on transcript NM_000540.3 (MANE Select); coding-DNA position 1094, C replaced by T.
Protein change: p.Ala365Val; replaces alanine 365 with valine.
Molecular consequence: missense variant.
Genome position (GRCh38, 1-based): chr19:38,448,785, C>T. VCF-style: chr19-38448785-C-T. GRCh37 (hg19) VCF-style: chr19-38939425-C-T.
Other names: c.1094C>T, p.Ala365Val (NM_001042723.2); short protein forms A365V.
Identifiers: ClinVar variation 3387637 (VCV003387637.1).

ClinVar aggregate classification (germline): Uncertain significance (1 of 4 stars; one submission).

Conditions:
Malignant hyperthermia, susceptibility to, 1 (MHS1). Also called: Anesthesia related hyperthermia; Malignant hyperpyrexia; Fulminating hyperpyrexia; Pharmacogenic myopathy; RYR1-Related Malignant Hyperthermia Susceptibility; Malignant hyperthermia suceptibility 1. Identifiers: Orphanet 423, MedGen C2930980, MONDO:0007783, OMIM 145600.

Submission:

All of Us Research Program, National Institutes of Health
Classification: Uncertain significance for Malignant hyperthermia, susceptibility to, 1. Last evaluated: 2024-06-09. Review status: criteria provided, single submitter. Criteria: ACMG Guidelines, 2015. Collection method: clinical testing. Allele origin: germline. Inheritance: Autosomal dominant inheritance. Observed: 2 variant alleles, 2 heterozygotes.
Comment: This missense variant replaces alanine with valine at codon 365 of the RYR1 protein. Computational prediction suggests that this variant may not impact protein structure and function (internally defined REVEL score threshold <= 0.5, PMID: 27666373). To our knowledge, functional studies have not been reported for this variant. This variant has not been reported in individuals affected with RYR1-related disorders in the literature. This variant has not been identified in the general population by the Genome Aggregation Database (gnomAD). The available evidence is insufficient to determine the role of this variant in disease conclusively. Therefore, this variant is classified as a Variant of Uncertain Significance.

This study involves interpretation of variants in research participants for the purpose of population health screening. Participant phenotype was not available at the time of variant classification. Additional details can be found in publication PMID: 35346344, PMCID: PMC8962531